The following is an entry in ClinVar:

NM_015450.3(POT1):c.1414A>T (p.Ser472Cys)

Gene: POT1 (protection of telomeres 1; minus strand). Cytogenetic location: 7q31.33.
Variant type: single nucleotide variant.
Coding change: c.1414A>T on transcript NM_015450.3 (MANE Select); coding-DNA position 1414, A replaced by T.
Protein change: p.Ser472Cys; replaces serine 472 with cysteine.
Molecular consequence: missense variant. On other transcripts: non-coding transcript variant (3).
Genome position (GRCh38, 1-based): chr7:124,835,370, T>A on the plus strand (A>T on the coding strand, the complement: POT1 is on the minus strand). VCF-style: chr7-124835370-T-A. GRCh37 (hg19) VCF-style: chr7-124475424-T-A.
Other names: c.1021A>T, p.Ser341Cys (NM_001042594.2); short protein forms S341C, S472C.
Identifiers: ClinVar variation 2560804 (VCV002560804.3), dbSNP rs769757327, ClinGen allele CA4465125.
Genomic context (GRCh38, chr7:124,835,370, plus strand): 5'-ATGGTGCTGAAAGGTCCAAAAGTTCCAGGTCTTCGTGGCCAGATCTCACAGGAATTACAC[T>A]ATTAAACTTGTTCGAGAGTTTGCAAATTTCACTGAGTGTACCTCCTGTTAAGAGAATAAA-3'
Protein context (NP_056265.2, residues 462-482): EICKLSNKFN[Ser472Cys]VIPVRSGHED

ClinVar aggregate classification (germline): Uncertain significance (1 of 4 stars; one submission).

Conditions:
Hereditary cancer-predisposing syndrome. Also called: Neoplastic Syndromes, Hereditary; Hereditary Cancer Syndrome; Hereditary neoplastic syndrome; Tumor predisposition. Identifiers: Orphanet 140162, MedGen C0027672, MeSH D009386, MONDO:0015356.

Allele frequency attached by ClinVar (database versions not stated): ExAC 0.00001.

Submission:

Ambry Genetics
Classification: Uncertain significance for Hereditary cancer-predisposing syndrome. Last evaluated: 2025-05-05. Review status: criteria provided, single submitter. Criteria: Ambry Variant Classification Scheme 2023. Collection method: clinical testing. Allele origin: germline.
Comment: The p.S472C variant (also known as c.1414A>T), located in coding exon 11 of the POT1 gene, results from an A to T substitution at nucleotide position 1414. The serine at codon 472 is replaced by cysteine, an amino acid with dissimilar properties. This amino acid position is conserved. In addition, this alteration is predicted to be tolerated by in silico analysis. Since supporting evidence is limited at this time, the clinical significance of this alteration remains unclear.